The following is an entry in ClinVar:

NM_000355.4(TCN2):c.988A>G (p.Ile330Val)

Gene: TCN2 (transcobalamin 2; plus strand). Cytogenetic location: 22q12.2.
Variant type: single nucleotide variant.
Coding change: c.988A>G on transcript NM_000355.4 (MANE Select); coding-DNA position 988, A replaced by G.
Protein change: p.Ile330Val; replaces isoleucine 330 with valine.
Molecular consequence: missense variant.
Genome position (GRCh38, 1-based): chr22:30,617,377, A>G. VCF-style: chr22-30617377-A-G. GRCh37 (hg19) VCF-style: chr22-31013364-A-G.
Other names: c.907A>G, p.Ile303Val (NM_001184726.2); short protein forms I303V, I330V.
Identifiers: ClinVar variation 838534 (VCV000838534.7), dbSNP rs1169605273, ClinGen allele CA411215272.

ClinVar aggregate classification (germline): Uncertain significance (1 of 4 stars; one submission).

Conditions:
Transcobalamin II deficiency (TCN2D). Also called: TC II DEFICIENCY; TCN2 DEFICIENCY; Transcolabamin II deficiency. Identifiers: Orphanet 859, MedGen C0342701, MONDO:0010149, OMIM 275350.

Allele frequency attached by ClinVar (database versions not stated): gnomAD exomes below 0.00001.
gnomAD v4.1: 1 of 1,614,170 alleles (0.000062%); highest among the groups gnomAD compares: Non-Finnish European, 0.000085%; no homozygotes.

Submission:

Labcorp Genetics (formerly Invitae), Labcorp
Classification: Uncertain significance for Transcobalamin II deficiency. Last evaluated: 2021-08-28. Review status: criteria provided, single submitter. Criteria: Invitae Variant Classification Sherloc (09022015). Collection method: clinical testing. Allele origin: germline.
Comment: This sequence change replaces isoleucine with valine at codon 330 of the TCN2 protein (p.Ile330Val). The isoleucine residue is moderately conserved and there is a small physicochemical difference between isoleucine and valine. This variant is not present in population databases (ExAC no frequency). This variant has not been reported in the literature in individuals affected with TCN2-related conditions. Algorithms developed to predict the effect of missense changes on protein structure and function (SIFT, PolyPhen-2, Align-GVGD) all suggest that this variant is likely to be tolerated. Algorithms developed to predict the effect of sequence changes on RNA splicing suggest that this variant may create or strengthen a splice site. In summary, the available evidence is currently insufficient to determine the role of this variant in disease. Therefore, it has been classified as a Variant of Uncertain Significance.